The following is an entry in ClinVar:

ClinVar aggregate classification (germline): Uncertain significance (1 of 4 stars; one submission).

Conditions:
Iron-refractory iron deficiency anemia (IRIDA). Also called: ANEMIA, HYPOCHROMIC MICROCYTIC, WITH DEFECT IN IRON METABOLISM; IRIDA syndrome; IRON-HANDLING DISORDER, HEREDITARY; PSEUDO-IRON-DEFICIENCY ANEMIA. Identifiers: Orphanet 209981, MedGen C0085576, MONDO:0008788, OMIM 206200. Disease mechanism: loss of function.

Submission:

Broad Center for Mendelian Genomics, Broad Institute of MIT and Harvard
Classification: Uncertain significance for Iron-refractory iron deficiency anemia. Last evaluated: 2024-06-19. Review status: criteria provided, single submitter. Criteria: ACMG Guidelines, 2015. Collection method: curation. Allele origin: germline. Inheritance: Autosomal dominant inheritance. Study: GREGoR Consortium.
Comment: While this gene is still lacking sufficient evidence to establish a gene-disease relationship, we believe this is a possible novel gene candidate for iron responsive disorders. Given the limited information about this gene-disease relationship, the significance of the p.Leu302Gly variant is uncertain. If you have any additional information about functional evidence or other individuals with this phenotype that also have variants in TOX we encourage you to reach out to us.

NM_014729.3(TOX):c.904_905delinsGG (p.Leu302Gly)

Gene: TOX (thymocyte selection associated high mobility group box; minus strand). Cytogenetic location: 8q12.1.
Variant type: Indel.
Coding change: c.904_905delinsGG on transcript NM_014729.3 (MANE Select); coding-DNA positions 904 to 905, TT replaced by GG.
Protein change: p.Leu302Gly; replaces leucine 302 with glycine.
Molecular consequence: missense variant.
Genome position (GRCh38, 1-based): chr8:58,838,100-58,838,101, AA replaced by CC on the plus strand (TT replaced by GG on the coding strand, the reverse complement: TOX is on the minus strand). VCF-style: chr8-58838100-AA-CC. GRCh37 (hg19) VCF-style: chr8-59750659-AA-CC.
Other names: NM_014729.3:c.904_905delinsGG; short protein forms L302G.
Identifiers: ClinVar variation 3252070 (VCV003252070.1), dbSNP rs2536674191.